The following is an entry in ClinVar:

ClinVar aggregate classification (germline): Uncertain significance (1 of 4 stars; one submission).

gnomAD v4.1: 5 of 1,612,926 alleles (0.00031%); highest among the groups gnomAD compares: Non-Finnish European, 0.00042%; no homozygotes.

Submission:

CeGaT Center for Human Genetics Tuebingen
Classification: Uncertain significance. Last evaluated: 2023-12-01. Review status: criteria provided, single submitter. Criteria: CeGaT Center For Human Genetics Tuebingen Variant Classification Criteria Version 2. Collection method: clinical testing. Allele origin: germline. Affected: yes. Observed: 1 variant allele.
Comment: TTN: PM2, BP4

NM_001267550.2(TTN):c.69961G>C (p.Asp23321His)

Genes: TTN (titin; minus strand), TTN-AS1 (TTN antisense RNA 1; plus strand), LOC126806422 (BRD4-independent group 4 enhancer GRCh37_chr2:179440205-179441404; plus strand). Cytogenetic location: 2q31.2.
Variant type: single nucleotide variant.
Coding change: c.69961G>C on transcript NM_001267550.2 (MANE Select); coding-DNA position 69961, G replaced by C.
Protein change: p.Asp23321His; replaces aspartic acid 23321 with histidine.
Molecular consequence: missense variant.
Genome position (GRCh38, 1-based): chr2:178,576,171, C>G on the plus strand (G>C on the coding strand, the complement: TTN is on the minus strand). VCF-style: chr2-178576171-C-G. GRCh37 (hg19) VCF-style: chr2-179440898-C-G.
Other names: c.65038G>C, p.Asp21680His (NM_001256850.1); c.42766G>C, p.Asp14256His (NM_003319.4); c.62257G>C, p.Asp20753His (NM_133378.4); c.43141G>C, p.Asp14381His (NM_133432.3); c.43342G>C, p.Asp14448His (NM_133437.4); short protein forms D14256H, D14381H, D14448H, D20753H, D21680H, D23321H.
Identifiers: ClinVar variation 3026705 (VCV003026705.22), dbSNP rs571879486, ClinGen allele CA349665619.
Genomic context (GRCh38, chr2:178,576,171, plus strand): 5'-CCATCTCCCGTTCTACGATTTCAACATCTGGAATCACCGCTGGCTCCCCAACACCTGCAT[C>G]GTTGATGGCACTGATTCTGAAGTTGTATTTTTCTTTAGTCTGAAGATCAGGAACAACGAA-3'
Protein context (NP_001254479.2, residues 23311-23331): KYNFRISAIN[Asp23321His]AGVGEPAVIP